The following is an entry in ClinVar:

ClinVar aggregate classification (germline): Pathogenic (1 of 4 stars; one submission).

Conditions:
Craniolenticulosutural dysplasia (CLSD). Also called: BOYADJIEV-JABS SYNDROME. Identifiers: Orphanet 50814, MedGen C1843042, MONDO:0011911, OMIM 607812.

Submission:

The Genetic Institute, Ha'emek Medical Center
Classification: Pathogenic for Craniolenticulosutural dysplasia. Last evaluated: 2025-11-20. Review status: criteria provided, single submitter. Criteria: ACMG Guidelines, 2015. Collection method: research. Allele origin: biparental. Inheritance: Autosomal recessive inheritance. Affected: yes. Observed: 3 variant alleles, 3 homozygotes. Clinical features observed: Skeletal dysplasia (HP:0002652), Mild intellectual disability (HP:0001256), Hypertelorism (HP:0000316).
Comment: It is an intronic splice variant. The effect of this variant is a skipping of 5 base pairs of the normal reading frame that results in frameshift. RNA sequence validate the aberrant transcript that escaped the NMD mechanism. This variant was detected among three affected family members and absent in general population and from in house ethnic matched cohort.

Literature cited by the submitters: PubMed 38103548; PubMed 30192042.

NM_016570.3(ERGIC2):c.572+5G>A

Gene: ERGIC2 (ERGIC and golgi 2; minus strand). Cytogenetic location: 12p11.22.
Variant type: single nucleotide variant.
Coding change: c.572+5G>A on transcript NM_016570.3 (MANE Select); 5 bases into the intron after coding-DNA position 572, G replaced by A.
Molecular consequence: intron variant.
Genome position (GRCh38, 1-based): chr12:29,356,377, C>T on the plus strand (G>A on the coding strand, the complement: ERGIC2 is on the minus strand). VCF-style: chr12-29356377-C-T. GRCh37 (hg19) VCF-style: chr12-29509310-C-T.
Identifiers: ClinVar variation 4796686 (VCV004796686.1).